The following is an entry in ClinVar:

ClinVar aggregate classification (germline): Uncertain significance (1 of 4 stars; one submission).

gnomAD v4.1: 1 of 1,613,744 alleles (0.000062%); no homozygotes.

Submission:

Women's Health and Genetics/Laboratory Corporation of America, LabCorp
Classification: Uncertain significance. Last evaluated: 2023-07-26. Review status: criteria provided, single submitter. Criteria: LabCorp Variant Classification Summary - May 2015. Collection method: clinical testing. Allele origin: germline.
Comment: Variant summary: LYST c.2304C>G (p.Cys768Trp) results in a non-conservative amino acid change in the encoded protein sequence. Four of five in-silico tools predict a damaging effect of the variant on protein function. The variant was absent in 251192 control chromosomes (gnomAD). The available data on variant occurrences in the general population are insufficient to allow any conclusion about variant significance. c.2304C>G has been reported in the literature in at least one heterozygous individual affected with Hemophagocytic lymphohistiocytosis and pigment dilution (e.g., Cetica_2015). This report does not provide unequivocal conclusions about association of the variant with Chediak-Higashi Syndrome. To our knowledge, no experimental evidence demonstrating an impact on protein function has been reported. The following publication was ascertained in the context of this evaluation (PMID: 25312756). No submitters have reported clinical-significance assessments for this variant to ClinVar after 2014. Based on the evidence outlined above, the variant was classified as uncertain significance.

Literature cited by the submitters: PubMed 25312756.

NM_000081.4(LYST):c.2304C>G (p.Cys768Trp)

Gene: LYST (lysosomal trafficking regulator; minus strand). Cytogenetic location: 1q42.3.
Variant type: single nucleotide variant.
Coding change: c.2304C>G on transcript NM_000081.4 (MANE Select); coding-DNA position 2304, C replaced by G.
Protein change: p.Cys768Trp; replaces cysteine 768 with tryptophan.
Molecular consequence: missense variant.
Genome position (GRCh38, 1-based): chr1:235,808,514, G>C on the plus strand (C>G on the coding strand, the complement: LYST is on the minus strand). VCF-style: chr1-235808514-G-C. GRCh37 (hg19) VCF-style: chr1-235971814-G-C.
Other names: c.2304C>G, p.Cys768Trp (NM_001301365.1); short protein forms C768W.
Identifiers: ClinVar variation 2577056 (VCV002577056.1), dbSNP rs2527103218, ClinGen allele CA344958617.
Genomic context (GRCh38, chr1:235,808,514, plus strand): 5'-CCTGGATTTAAGCAGGATAGGCAGAGTTTTTACATAAATCTGAAGCACGTCCTGAGGCAA[G>C]CACTGGTTATGATGGCTACATACATGACTTTGAGCTGAAGTAACGCTTAGGTGTTGACAA-3'
Protein context (NP_000072.2, residues 758-778): QSHVCSHHNQ[Cys768Trp]LPQDVLQIYV